The following is an entry in ClinVar:

NM_000091.5(COL4A3):c.1505-2A>G

Genes: COL4A3 (collagen type IV alpha 3 chain; plus strand), MFF-DT (MFF divergent transcript; minus strand). Cytogenetic location: 2q36.3.
Variant type: single nucleotide variant.
Coding change: c.1505-2A>G on transcript NM_000091.5 (MANE Select); the canonical splice acceptor site of the intron before coding-DNA position 1505, A replaced by G.
Molecular consequence: splice acceptor variant.
Genome position (GRCh38, 1-based): chr2:227,269,908, A>G. VCF-style: chr2-227269908-A-G. GRCh37 (hg19) VCF-style: chr2-228134624-A-G.
Identifiers: ClinVar variation 3644673 (VCV003644673.2).

ClinVar aggregate classification (germline): Likely pathogenic (1 of 4 stars; one submission).

Submission:

Labcorp Genetics (formerly Invitae), Labcorp
Classification: Likely pathogenic. Last evaluated: 2024-07-10. Review status: criteria provided, single submitter. Criteria: Invitae Variant Classification Sherloc (09022015). Collection method: clinical testing. Allele origin: germline.
Comment: This sequence change affects an acceptor splice site in intron 23 of the COL4A3 gene. It is expected to disrupt RNA splicing. Variants that disrupt the donor or acceptor splice site typically lead to a loss of protein function (PMID: 16199547), and loss-of-function variants in COL4A3 are known to be pathogenic (PMID: 8956999, 24854265, 26809805, 27281700). This variant is not present in population databases (gnomAD no frequency). This variant has not been reported in the literature in individuals affected with COL4A3-related conditions. Algorithms developed to predict the effect of sequence changes on RNA splicing suggest that this variant may disrupt the consensus splice site. In summary, the currently available evidence indicates that the variant is pathogenic, but additional data are needed to prove that conclusively. Therefore, this variant has been classified as Likely Pathogenic.

Literature cited by the submitters: PubMed 16199547; PubMed 8956999; PubMed 24854265; PubMed 26809805; PubMed 27281700.